The following is an entry in ClinVar:

NM_012123.4(MTO1):c.1327A>T (p.Thr443Ser)

Gene: MTO1 (mitochondrial tRNA translation optimization 1; plus strand). Cytogenetic location: 6q13.
Variant type: single nucleotide variant.
Coding change: c.1327A>T on transcript NM_012123.4 (MANE Select); coding-DNA position 1327, A replaced by T.
Protein change: p.Thr443Ser; replaces threonine 443 with serine.
Molecular consequence: missense variant.
Genome position (GRCh38, 1-based): chr6:73,482,106, A>T. VCF-style: chr6-73482106-A-T. GRCh37 (hg19) VCF-style: chr6-74191829-A-T.
Other names: c.1447A>T, p.Thr483Ser (NM_001123226.2); c.1402A>T, p.Thr468Ser (NM_133645.3); short protein forms T468S, T443S, T483S.
Identifiers: ClinVar variation 1912873 (VCV001912873.5), dbSNP rs1433017148, ClinGen allele CA364717021.

ClinVar aggregate classification (germline): Uncertain significance (1 of 4 stars; one submission).

Conditions:
Mitochondrial hypertrophic cardiomyopathy with lactic acidosis due to MTO1 deficiency. Also called: CARDIOMYOPATHY, INFANTILE HYPERTROPHIC MITOCHONDRIAL, AND LACTIC ACIDOSIS; Combined oxidative phosphorylation deficiency 10. Identifiers: Orphanet 314637, MedGen C4749921, MONDO:0013865, OMIM 614702.

Allele frequency attached by ClinVar (database versions not stated): gnomAD exomes below 0.00001; TOPMed below 0.00001; gnomAD 0.00001.
gnomAD v4.1: 2 of 1,614,080 alleles (0.00012%); highest among the groups gnomAD compares: African/African-American, 0.0027%; no homozygotes.

Submission:

Labcorp Genetics (formerly Invitae), Labcorp
Classification: Uncertain significance for Mitochondrial hypertrophic cardiomyopathy with lactic acidosis due to MTO1 deficiency. Last evaluated: 2021-12-17. Review status: criteria provided, single submitter. Criteria: Invitae Variant Classification Sherloc (09022015). Collection method: clinical testing. Allele origin: germline.
Comment: In summary, the available evidence is currently insufficient to determine the role of this variant in disease. Therefore, it has been classified as a Variant of Uncertain Significance. Algorithms developed to predict the effect of missense changes on protein structure and function are either unavailable or do not agree on the potential impact of this missense change (SIFT: "Tolerated"; PolyPhen-2: "Possibly Damaging"; Align-GVGD: "Class C0"). This variant has not been reported in the literature in individuals affected with MTO1-related conditions. This variant is present in population databases (no rsID available, gnomAD 0.01%). This sequence change replaces threonine, which is neutral and polar, with serine, which is neutral and polar, at codon 443 of the MTO1 protein (p.Thr443Ser).